The following is an entry in ClinVar:

NM_005359.6(SMAD4):c.526_528del (p.Gly176del)

Gene: SMAD4 (SMAD family member 4; plus strand). Cytogenetic location: 18q21.2.
Variant type: Deletion.
Coding change: c.526_528del on transcript NM_005359.6 (MANE Select); coding-DNA positions 526 to 528, 3 bases deleted (GGA; older notation c.526_528delGGA).
Protein change: p.Gly176del; deletes glycine 176.
Molecular consequence: non-coding transcript variant (on NR_176264.1).
Genome position (GRCh38, 1-based): chr18:51,054,852-51,054,854, GGA deleted; deleting any 3 consecutive bases within chr18:51,054,851-51,054,854 gives the same sequence; the c. name uses the placement nearest the transcript's 3' end. VCF-style (leftmost placement, unchanged base first): chr18-51054850-AAGG-A. GRCh37 (hg19) VCF-style: chr18-48581220-AAGG-A.
Other names: c.526_528del, p.Gly176del (NM_001407041.1, NM_001407042.1, NM_001407043.1); short protein forms G176del.
Identifiers: ClinVar variation 3725732 (VCV003725732.2).

ClinVar aggregate classification (germline): Uncertain significance (1 of 4 stars; one submission).

Conditions:
Juvenile polyposis syndrome (JPS). Identifiers: Orphanet 2929, MedGen C0345893, MONDO:0017380, OMIM 174900.

Submission:

Labcorp Genetics (formerly Invitae), Labcorp
Classification: Uncertain significance for Juvenile polyposis syndrome. Last evaluated: 2024-11-21. Review status: criteria provided, single submitter. Criteria: Invitae Variant Classification Sherloc (09022015). Collection method: clinical testing. Allele origin: germline.
Comment: This variant, c.526_528del, results in the deletion of 1 amino acid(s) of the SMAD4 protein (p.Gly176del), but otherwise preserves the integrity of the reading frame. This variant is not present in population databases (gnomAD no frequency). This variant has not been reported in the literature in individuals affected with SMAD4-related conditions. Experimental studies and prediction algorithms are not available or were not evaluated, and the functional significance of this variant is currently unknown. In summary, the available evidence is currently insufficient to determine the role of this variant in disease. Therefore, it has been classified as a Variant of Uncertain Significance.